The following is an entry in ClinVar:

ClinVar aggregate classification (germline): Uncertain significance (1 of 4 stars; one submission).

Conditions:
Cardiovascular phenotype. Identifiers: MedGen CN230736.

Submission:

Ambry Genetics
Classification: Uncertain significance for Cardiovascular phenotype. Last evaluated: 2022-04-19. Review status: criteria provided, single submitter. Criteria: Ambry Variant Classification Scheme 2023. Collection method: clinical testing. Allele origin: germline.
Comment: The p.A35V variant (also known as c.104C>T) is located in coding exon 2 of the TXNRD2 gene. The alanine at codon 35 is replaced by valine, an amino acid with similar properties. This change occurs in the first base pair of coding exon 2. This amino acid position is conserved. In addition, this alteration is predicted to be tolerated by in silico analysis. Since supporting evidence is limited at this time, the clinical significance of this alteration remains unclear.

NM_006440.5(TXNRD2):c.104C>T (p.Ala35Val)

Gene: TXNRD2 (thioredoxin reductase 2; minus strand). Cytogenetic location: 22q11.21.
Variant type: single nucleotide variant.
Coding change: c.104C>T on transcript NM_006440.5 (MANE Select); coding-DNA position 104, C replaced by T.
Protein change: p.Ala35Val; replaces alanine 35 with valine.
Molecular consequence: missense variant. On other transcripts: 5 prime UTR variant (1), non-coding transcript variant (1), intron variant (1).
Genome position (GRCh38, 1-based): chr22:19,931,098, G>A on the plus strand (C>T on the coding strand, the complement: TXNRD2 is on the minus strand). VCF-style: chr22-19931098-G-A. GRCh37 (hg19) VCF-style: chr22-19918621-G-A.
Other names: c.104C>T, p.Ala35Val (NM_001282512.3); c.14C>T, p.Ala5Val (NM_001352301.2); c.-185C>T (NM_001352302.2); c.8C>T, p.Ala3Val (NM_001352303.2); c.104-3C>T (NM_001352300.2); short protein forms A3V, A35V, A5V.
Identifiers: ClinVar variation 1776597 (VCV001776597.3), dbSNP rs1379775084, ClinGen allele CA410697091.